The following is an entry in ClinVar:

ClinVar aggregate classification (germline): Uncertain significance (1 of 4 stars; one submission).

Conditions:
Familial meningioma. Also called: Meningioma, familial, susceptibility to. Identifiers: Orphanet 263662, MedGen C3551915, MONDO:0011789, OMIM 607174.

Submission:

Labcorp Genetics (formerly Invitae), Labcorp
Classification: Uncertain significance for Familial meningioma. Last evaluated: 2021-07-03. Review status: criteria provided, single submitter. Criteria: Invitae Variant Classification Sherloc (09022015). Collection method: clinical testing. Allele origin: germline.
Comment: In summary, the available evidence is currently insufficient to determine the role of this variant in disease. Therefore, it has been classified as a Variant of Uncertain Significance. Experimental studies and prediction algorithms are not available or were not evaluated, and the functional significance of this variant is currently unknown. This variant has not been reported in the literature in individuals with SMARCE1-related conditions. This variant is not present in population databases (ExAC no frequency). This sequence change results in a frameshift in the SMARCE1 gene (p.Ile285Leufs*157). While this is not anticipated to result in nonsense mediated decay, it is expected to disrupt the last 127 amino acids of the SMARCE1 protein and extend the protein by an additional 29 amino acids.

NM_003079.5(SMARCE1):c.849del (p.Ile285fs)

Gene: SMARCE1 (SWI/SNF related BAF chromatin remodeling complex subunit E1; minus strand). Cytogenetic location: 17q21.2.
Variant type: Deletion.
Coding change: c.849del on transcript NM_003079.5 (MANE Select); coding-DNA position 849, one base deleted (G; older notation c.849delG).
Protein change: p.Ile285fs; shifts the reading frame from isoleucine 285.
Molecular consequence: frameshift variant.
Genome position (GRCh38, 1-based): chr17:40,630,892, C deleted on the plus strand (G on the coding strand, the reverse complement: SMARCE1 is on the minus strand). VCF-style (leftmost placement, unchanged base first): chr17-40630891-TC-T. GRCh37 (hg19) VCF-style: chr17-38787143-TC-T.
Other names: short protein forms I285fs.
Identifiers: ClinVar variation 1001295 (VCV001001295.6), dbSNP rs2037087393, ClinGen allele CA2259641417.